The following is an entry in ClinVar:

NM_004329.3(BMPR1A):c.512C>G (p.Ser171Cys)

Gene: BMPR1A (bone morphogenetic protein receptor type 1A; plus strand). Cytogenetic location: 10q23.2.
Variant type: single nucleotide variant.
Coding change: c.512C>G on transcript NM_004329.3 (MANE Select); coding-DNA position 512, C replaced by G.
Protein change: p.Ser171Cys; replaces serine 171 with cysteine.
Molecular consequence: missense variant.
Genome position (GRCh38, 1-based): chr10:86,900,108, C>G. VCF-style: chr10-86900108-C-G. GRCh37 (hg19) VCF-style: chr10-88659865-C-G.
Other names: short protein forms S171C.
Identifiers: ClinVar variation 847294 (VCV000847294.14), dbSNP rs781286980, ClinGen allele CA5585536.

ClinVar aggregate classification (germline): Conflicting classifications of pathogenicity. Review status: criteria provided, conflicting classifications (1 of 4 stars). 3 submissions from 3 submitters: Uncertain significance (2); Benign (1). Last evaluated 2025-05-26.

Conditions:
Juvenile polyposis syndrome (JPS). Identifiers: Orphanet 2929, MedGen C0345893, MONDO:0017380, OMIM 174900.
Hereditary cancer-predisposing syndrome. Also called: Neoplastic Syndromes, Hereditary; Hereditary Cancer Syndrome; Hereditary neoplastic syndrome; Tumor predisposition. Identifiers: Orphanet 140162, MedGen C0027672, MeSH D009386, MONDO:0015356.

Allele frequency attached by ClinVar (database versions not stated): TOPMed below 0.00001; gnomAD 0.00001; gnomAD exomes 0.00001; ExAC 0.00002.

Submissions (3):

Labcorp Genetics (formerly Invitae), Labcorp
Classification: Uncertain significance for Juvenile polyposis syndrome. Last evaluated: 2025-05-26. Review status: criteria provided, single submitter. Criteria: Invitae Variant Classification Sherloc (09022015). Collection method: clinical testing. Allele origin: germline.
Comment: This sequence change replaces serine, which is neutral and polar, with cysteine, which is neutral and slightly polar, at codon 171 of the BMPR1A protein (p.Ser171Cys). This variant is present in population databases (rs781286980, gnomAD 0.01%). This variant has not been reported in the literature in individuals affected with BMPR1A-related conditions. ClinVar contains an entry for this variant (Variation ID: 847294). Invitae Evidence Modeling of protein sequence and biophysical properties (such as structural, functional, and spatial information, amino acid conservation, physicochemical variation, residue mobility, and thermodynamic stability) indicates that this missense variant is not expected to disrupt BMPR1A protein function with a negative predictive value of 80%. In summary, the available evidence is currently insufficient to determine the role of this variant in disease. Therefore, it has been classified as a Variant of Uncertain Significance.

Ambry Genetics
Classification: Benign for Hereditary cancer-predisposing syndrome. Last evaluated: 2024-04-24. Review status: criteria provided, single submitter. Criteria: Ambry Variant Classification Scheme 2023. Collection method: clinical testing. Allele origin: germline.

All of Us Research Program, National Institutes of Health
Classification: Uncertain significance for Juvenile polyposis syndrome. Last evaluated: 2023-02-24. Review status: criteria provided, single submitter. Criteria: ACMG Guidelines, 2015. Collection method: clinical testing. Allele origin: germline. Inheritance: Autosomal dominant inheritance. Observed: 1 variant allele, 1 heterozygote.
Comment: This missense variant replaces serine with cysteine at codon 171 of the BMPR1A protein. Computational prediction suggests that this variant may not impact protein structure and function (internally defined REVEL score threshold <= 0.5, PMID: 27666373). To our knowledge, functional studies have not been reported for this variant. This variant has not been reported in individuals affected with BMPR1A-related disorders in the literature. This variant has been identified in 3/251136 chromosomes in the general population by the Genome Aggregation Database (gnomAD). The available evidence is insufficient to determine the role of this variant in disease conclusively. Therefore, this variant is classified as a Variant of Uncertain Significance.

This study involves interpretation of variants in research participants for the purpose of population health screening. Participant phenotype was not available at the time of variant classification. Additional details can be found in publication PMID: 35346344, PMCID: PMC8962531